The following is an entry in ClinVar:

ClinVar aggregate classification (germline): Pathogenic. Review status: criteria provided, multiple submitters, no conflicts (2 of 4 stars). 2 submissions from 2 submitters: Pathogenic (2). Last evaluated 2025-05-29.

Conditions:
Rubinstein-Taybi syndrome due to CREBBP mutations (RSTS1). Also called: RUBINSTEIN-TAYBI SYNDROME 1, INCOMPLETE; BROAD THUMB-HALLUX SYNDROME; RUBINSTEIN SYNDROME; BROAD THUMBS AND GREAT TOES, CHARACTERISTIC FACIES, AND IMPAIRED INTELLECTUAL DEVELOPMENT; CREBBP-Related Rubinstein-Taybi Syndrome; Rubinstein-Taybi syndrome 1. Identifiers: Orphanet 353277, Orphanet 783, MedGen C4551859, MONDO:0008393, OMIM 180849.
Menke-Hennekam syndrome 1 (MKHK1). Identifiers: MedGen C5193034, MONDO:0020763, OMIM 618332.

Submissions (2):

GeneDx
Classification: Pathogenic. Last evaluated: 2025-05-29. Review status: criteria provided, single submitter. Criteria: GeneDx Variant Classification Process June 2021. Collection method: clinical testing. Allele origin: germline. Affected: yes.
Comment: Frameshift variant predicted to result in protein truncation or nonsense mediated decay in a gene for which loss of function is a known mechanism of disease; Not observed at significant frequency in large population cohorts (gnomAD); This variant is associated with the following publications: (PMID: 15706485, 35904121)

Fulgent Genetics
Classification: Pathogenic for Rubinstein-Taybi syndrome due to CREBBP mutations; Menke-Hennekam syndrome 1. Last evaluated: 2024-05-02. Review status: criteria provided, single submitter. Criteria: ACMG Guidelines, 2015. Collection method: clinical testing. Allele origin: germline.

NM_004380.3(CREBBP):c.904_905del (p.Ser302fs)

Gene: CREBBP (CREB binding lysine acetyltransferase; minus strand). Cytogenetic location: 16p13.3.
Variant type: Microsatellite.
Coding change: c.904_905del on transcript NM_004380.3 (MANE Select); coding-DNA positions 904 to 905, 2 bases deleted (AG; older notation c.904_905delAG).
Protein change: p.Ser302fs; shifts the reading frame from serine 302.
Molecular consequence: frameshift variant.
Genome position (GRCh38, 1-based): chr16:3,810,673-3,810,674, CT deleted on the plus strand (AG on the coding strand, the reverse complement: CREBBP is on the minus strand); deleting any 2 consecutive bases within chr16:3,810,673-3,810,676 gives the same sequence; the c. name uses the placement nearest the transcript's 3' end. VCF-style (leftmost placement, unchanged base first): chr16-3810672-GCT-G. GRCh37 (hg19) VCF-style: chr16-3860673-GCT-G.
Other names: c.904_905del (NM_004380.2); c.904_905del, p.Ser302fs (NM_001079846.1); short protein forms S302fs.
Identifiers: ClinVar variation 3580667 (VCV003580667.2).